The following is an entry in ClinVar:

NM_153026.3(PRICKLE1):c.1520C>T (p.Ser507Leu)

Gene: PRICKLE1 (prickle planar cell polarity protein 1; minus strand). Cytogenetic location: 12q12.
Variant type: single nucleotide variant.
Coding change: c.1520C>T on transcript NM_153026.3 (MANE Select); coding-DNA position 1520, C replaced by T.
Protein change: p.Ser507Leu; replaces serine 507 with leucine.
Molecular consequence: missense variant.
Genome position (GRCh38, 1-based): chr12:42,464,514, G>A on the plus strand (C>T on the coding strand, the complement: PRICKLE1 is on the minus strand). VCF-style: chr12-42464514-G-A. GRCh37 (hg19) VCF-style: chr12-42858316-G-A.
Other names: c.1520C>T, p.Ser507Leu (NM_001144881.2, NM_001144882.2, NM_001144883.2); short protein forms S507L.
Identifiers: ClinVar variation 849382 (VCV000849382.10), dbSNP rs781019264, ClinGen allele CA6519741.

ClinVar aggregate classification (germline): Uncertain significance. Review status: criteria provided, multiple submitters, no conflicts (2 of 4 stars). 3 submissions from 3 submitters: Uncertain significance (3). Last evaluated 2025-05-04.

Conditions:
Epilepsy, progressive myoclonic, 1B. Also called: PME. Identifiers: Orphanet 308, MedGen C2676254, MONDO:0012904, OMIM 612437.

Allele frequency attached by ClinVar (database versions not stated): ExAC 0.00002; gnomAD exomes 0.00002 and 0.00005; TOPMed 0.00003; gnomAD 0.00006.
gnomAD v4.1: 89 of 1,613,870 alleles (0.0055%); highest among the groups gnomAD compares: Non-Finnish European, 0.0069%; no homozygotes.

Submissions (3):

Ambry Genetics
Classification: Uncertain significance. Last evaluated: 2025-05-04. Review status: criteria provided, single submitter. Criteria: Ambry Variant Classification Scheme 2023. Collection method: clinical testing. Allele origin: germline.

Labcorp Genetics (formerly Invitae), Labcorp
Classification: Uncertain significance for Epilepsy, progressive myoclonic, 1B. Last evaluated: 2025-03-27. Review status: criteria provided, single submitter. Criteria: Invitae Variant Classification Sherloc (09022015). Collection method: clinical testing. Allele origin: germline.
Comment: This sequence change replaces serine, which is neutral and polar, with leucine, which is neutral and non-polar, at codon 507 of the PRICKLE1 protein (p.Ser507Leu). This variant is present in population databases (rs781019264, gnomAD 0.007%). This variant has not been reported in the literature in individuals affected with PRICKLE1-related conditions. ClinVar contains an entry for this variant (Variation ID: 849382). An algorithm developed to predict the effect of missense changes on protein structure and function (PolyPhen-2) suggests that this variant is likely to be tolerated. In summary, the available evidence is currently insufficient to determine the role of this variant in disease. Therefore, it has been classified as a Variant of Uncertain Significance.

Blueprint Genetics
Classification: Uncertain significance. Last evaluated: 2023-05-23. Review status: criteria provided, single submitter. Criteria: ACMG Guidelines, 2015. Collection method: clinical testing. Allele origin: germline.